The following is an entry in ClinVar:

ClinVar aggregate classification (germline): Uncertain significance (1 of 4 stars; one submission).

Submission:

Labcorp Genetics (formerly Invitae), Labcorp
Classification: Uncertain significance. Last evaluated: 2022-11-08. Review status: criteria provided, single submitter. Criteria: Invitae Variant Classification Sherloc (09022015). Collection method: clinical testing. Allele origin: germline.
Comment: This sequence change replaces glutamic acid, which is acidic and polar, with lysine, which is basic and polar, at codon 914 of the HK1 protein (p.Glu914Lys). This variant is not present in population databases (gnomAD no frequency). In summary, the available evidence is currently insufficient to determine the role of this variant in disease. Therefore, it has been classified as a Variant of Uncertain Significance. Algorithms developed to predict the effect of missense changes on protein structure and function (SIFT, PolyPhen-2, Align-GVGD) all suggest that this variant is likely to be tolerated. This variant has not been reported in the literature in individuals affected with HK1-related conditions.

NM_000188.3(HK1):c.2740G>A (p.Glu914Lys)

Gene: HK1 (hexokinase 1; plus strand). Cytogenetic location: 10q22.1.
Variant type: single nucleotide variant.
Coding change: c.2740G>A on transcript NM_000188.3 (MANE Select); coding-DNA position 2740, G replaced by A.
Protein change: p.Glu914Lys; replaces glutamic acid 914 with lysine.
Molecular consequence: missense variant.
Genome position (GRCh38, 1-based): chr10:69,401,121, G>A. VCF-style: chr10-69401121-G-A. GRCh37 (hg19) VCF-style: chr10-71160877-G-A.
Other names: c.2752G>A, p.Glu918Lys (NM_001322364.2, NM_001358263.1, NM_033497.3 and 1 more transcripts); c.2845G>A, p.Glu949Lys (NM_001322365.2); c.2656G>A, p.Glu886Lys (NM_001322366.1); c.2644G>A, p.Glu882Lys (NM_001322367.1); c.2737G>A, p.Glu913Lys (NM_033496.3); c.2704G>A, p.Glu902Lys (NM_033500.2); short protein forms E882K, E914K, E949K, E886K, E918K, E902K, E913K.
Identifiers: ClinVar variation 2056736 (VCV002056736.4), dbSNP rs2540495384, ClinGen allele CA376918366.
Genomic context (GRCh38, chr10:69,401,121, plus strand): 5'-GAGGATGGCAGCGGCAAGGGGGCCGCCCTCATCACGGCCGTGGGCGTGCGGTTACGCACA[G>A]AGGCAAGCAGCTAAGAGTCCGGGATCCCCAGCCTACTGCCTCTCCAGCACTTCTCTCTTC-3'
Protein context (NP_000179.2, residues 904-917): ITAVGVRLRT[Glu914Lys]ASS